The following is an entry in ClinVar:

ClinVar aggregate classification (germline): Uncertain significance (1 of 4 stars; one submission).

Conditions:
Charcot-Marie-Tooth disease axonal type 2C (HMSN2C). Also called: CHARCOT-MARIE-TOOTH DISEASE, AXONAL, AUTOSOMAL DOMINANT, TYPE 2C; Charcot-Marie-Tooth Neuropathy Type 2C; Charcot-Marie-Tooth Disease Type 2, TRPV4-Related (CMT2C). Identifiers: Orphanet 99937, MedGen C1853710, MONDO:0011633, OMIM 606071.

gnomAD v4.1: 18 of 1,611,802 alleles (0.0011%); highest among the groups gnomAD compares: East Asian, 0.04%; no homozygotes.

Submission:

Labcorp Genetics (formerly Invitae), Labcorp
Classification: Uncertain significance for Charcot-Marie-Tooth disease axonal type 2C. Last evaluated: 2025-09-02. Review status: criteria provided, single submitter. Criteria: Invitae Variant Classification Sherloc (09022015). Collection method: clinical testing. Allele origin: germline.
Comment: This sequence change replaces isoleucine, which is neutral and non-polar, with valine, which is neutral and non-polar, at codon 246 of the TRPV4 protein (p.Ile246Val). This variant is present in population databases (rs763705688, gnomAD 0.02%). This variant has not been reported in the literature in individuals affected with TRPV4-related conditions. ClinVar contains an entry for this variant (Variation ID: 3710000). Invitae Evidence Modeling of protein sequence and biophysical properties (such as structural, functional, and spatial information, amino acid conservation, physicochemical variation, residue mobility, and thermodynamic stability) has been performed for this missense variant. However, the output from this modeling did not meet the statistical confidence thresholds required to predict the impact of this variant on TRPV4 protein function. In summary, the available evidence is currently insufficient to determine the role of this variant in disease. Therefore, it has been classified as a Variant of Uncertain Significance.

NM_021625.5(TRPV4):c.736A>G (p.Ile246Val)

Gene: TRPV4 (transient receptor potential cation channel subfamily V member 4; minus strand). Cytogenetic location: 12q24.11.
Variant type: single nucleotide variant.
Coding change: c.736A>G on transcript NM_021625.5 (MANE Select); coding-DNA position 736, A replaced by G.
Protein change: p.Ile246Val; replaces isoleucine 246 with valine.
Molecular consequence: missense variant. On other transcripts: intron variant (2).
Genome position (GRCh38, 1-based): chr12:109,800,735, T>C on the plus strand (A>G on the coding strand, the complement: TRPV4 is on the minus strand). VCF-style: chr12-109800735-T-C. GRCh37 (hg19) VCF-style: chr12-110238540-T-C.
Other names: c.634A>G, p.Ile212Val (NM_001177431.2); c.736A>G, p.Ile246Val (NM_147204.3); c.713-1823A>G (NM_001177433.1, NM_001177428.1); short protein forms I246V, I212V.
Identifiers: ClinVar variation 3710000 (VCV003710000.2).
Genomic context (GRCh38, chr12:109,800,735, plus strand): 5'-CGTGGACATCAGCTCCCTGGGCCACGAGAAGTTCCACGTAGTGTTTGCAGCGACGCTCAA[T>C]GGCGATGTGCAGGGCTGTCTGACCTGGGGGCAGGGGACGGTCATCCAGGGTCCTGGCGGA-3'
Protein context (NP_067638.3, residues 236-256): YRGQTALHIA[Ile246Val]ERRCKHYVEL